The following is an entry in ClinVar:

ClinVar aggregate classification (germline): Likely benign. Review status: criteria provided, multiple submitters, no conflicts (2 of 4 stars). 3 submissions from 3 submitters: Likely benign (3). Last evaluated 2026-01-01.

Conditions:
Amyotrophic lateral sclerosis type 4 (ALS4). Also called: AMYOTROPHIC LATERAL SCLEROSIS 4, JUVENILE; NEURONOPATHY, DISTAL HEREDITARY MOTOR, WITH PYRAMIDAL FEATURES. Identifiers: Orphanet 357043, MedGen C1865409, MONDO:0011223, OMIM 602433.
Spinocerebellar ataxia, autosomal recessive, with axonal neuropathy 2 (SCAN2). Also called: ATAXIA-OCULOMOTOR APRAXIA 2; Ataxia-ocular apraxia-2; Ataxia with Oculomotor Apraxia; Ataxia with Oculomotor Apraxia Type 2. Identifiers: Orphanet 64753, MedGen C1853761, MONDO:0018996, OMIM 606002.

Allele frequency attached by ClinVar (database versions not stated): ExAC 0.00001; gnomAD 0.00001; gnomAD exomes 0.00001 and 0.00002; TOPMed 0.00003.
gnomAD v4.1: 27 of 1,614,110 alleles (0.0017%); highest among the groups gnomAD compares: African/African-American, 0.0027%; no homozygotes.

Submissions (3):

CeGaT Center for Human Genetics Tuebingen
Classification: Likely benign. Last evaluated: 2026-01-01. Review status: criteria provided, single submitter. Criteria: CeGaT Center For Human Genetics Tuebingen Variant Classification Criteria Version 2. Collection method: clinical testing. Allele origin: germline. Affected: yes. Observed: 2 variant alleles.
Comment: SETX: BP4, BP7

Women's Health and Genetics/Laboratory Corporation of America, LabCorp
Classification: Likely benign. Last evaluated: 2024-12-09. Review status: criteria provided, single submitter. Criteria: LabCorp Variant Classification Summary - May 2015. Collection method: clinical testing. Allele origin: germline.

Labcorp Genetics (formerly Invitae), Labcorp
Classification: Likely benign for Amyotrophic lateral sclerosis type 4; Spinocerebellar ataxia, autosomal recessive, with axonal neuropathy 2. Last evaluated: 2021-06-24. Review status: criteria provided, single submitter. Criteria: Invitae Variant Classification Sherloc (09022015). Collection method: clinical testing. Allele origin: germline.

NM_015046.7(SETX):c.4860T>G (p.Leu1620=)

Gene: SETX (senataxin; minus strand). Cytogenetic location: 9q34.13.
Variant type: single nucleotide variant.
Coding change: c.4860T>G on transcript NM_015046.7 (MANE Select); coding-DNA position 4860, T replaced by G.
Protein change: p.Leu1620=; no amino-acid change (leucine 1620 retained).
Molecular consequence: synonymous variant.
Genome position (GRCh38, 1-based): chr9:132,326,738, A>C on the plus strand (T>G on the coding strand, the complement: SETX is on the minus strand). VCF-style: chr9-132326738-A-C. GRCh37 (hg19) VCF-style: chr9-135202125-A-C.
Other names: c.4860T>G, p.Leu1620= (NM_001351527.2, NM_001351528.2).
Identifiers: ClinVar variation 1117725 (VCV001117725.17), dbSNP rs758938142, ClinGen allele CA5297122.